The following is an entry in ClinVar:

NM_017849.4(TMEM127):c.570del (p.Thr191fs)

Gene: TMEM127 (transmembrane protein 127; minus strand). Cytogenetic location: 2q11.2.
Variant type: Deletion.
Coding change: c.570del on transcript NM_017849.4 (MANE Select); coding-DNA position 570, one base deleted (C; older notation c.570delC).
Protein change: p.Thr191fs; shifts the reading frame from threonine 191.
Molecular consequence: frameshift variant.
Genome position (GRCh38, 1-based): chr2:96,253,955, G deleted on the plus strand (C on the coding strand, the reverse complement: TMEM127 is on the minus strand); the first of 2 consecutive G bases (chr2:96,253,955-96,253,956); deleting either gives the same sequence. VCF-style (leftmost placement, unchanged base first): chr2-96253954-TG-T. GRCh37 (hg19) VCF-style: chr2-96919692-TG-T.
Other names: c.570delC (NM_017849.3); c.570del, p.Thr191fs (NM_001193304.3); short protein forms T191fs.
Identifiers: ClinVar variation 486549 (VCV000486549.16), dbSNP rs1215337884, ClinGen allele CA534634931.
Genomic context (GRCh38, chr2:96,253,954, plus strand): 5'-GCAGCTCCAGCGCCTGCTCCTCTTCCTCTGTGGGGTAGTGGCGCAGGAGGTTGGCTGCCG[TG>T]GCCAGGATTGAGGCTCCACCAGCTCCTGCCACCAGGTAGAAGCTAACGGCGAAGGTGACA-3'

ClinVar aggregate classification (germline): Likely pathogenic. Review status: criteria provided, multiple submitters, no conflicts (2 of 4 stars). 3 submissions from 3 submitters: Likely pathogenic (3). Last evaluated 2024-02-13.

Conditions:
Hereditary cancer-predisposing syndrome. Also called: Neoplastic Syndromes, Hereditary; Hereditary neoplastic syndrome; Tumor predisposition; Hereditary Cancer Syndrome. Identifiers: Orphanet 140162, MedGen C0027672, MeSH D009386, MONDO:0015356.
Hereditary pheochromocytoma and paraganglioma. Also called: Hereditary Paraganglioma-Pheochromocytoma Syndromes; Hereditary paragangliomas and pheochromocytomas; Hereditary pheochromocytoma-paraganglioma. Identifiers: Orphanet 29072, MedGen C4274332, MONDO:0017366.

Submissions (3):

Labcorp Genetics (formerly Invitae), Labcorp
Classification: Likely pathogenic for Hereditary pheochromocytoma and paraganglioma. Last evaluated: 2024-02-13. Review status: criteria provided, single submitter. Criteria: Invitae Variant Classification Sherloc (09022015). Collection method: clinical testing. Allele origin: germline.
Comment: This sequence change results in a frameshift in the TMEM127 gene (p.Thr191Argfs*116). While this is not anticipated to result in nonsense mediated decay, it is expected to disrupt the last 48 amino acid(s) of the TMEM127 protein and extend the protein by 67 additional amino acid residues. This variant is present in population databases (no rsID available, gnomAD 0.003%). This frameshift has been observed in individuals with pheochromocytoma (PMID: 26960314, 28567294; Invitae). ClinVar contains an entry for this variant (Variation ID: 486549). This variant disrupts the C-terminus of the TMEM127 protein. Other variant(s) that disrupt this region (p.Met214Serfs98*) have been observed in individuals with TMEM127-related conditions (PMID: 21156949). This suggests that this may be a clinically significant region of the protein. In summary, the currently available evidence indicates that the variant is pathogenic, but additional data are needed to prove that conclusively. Therefore, this variant has been classified as Likely Pathogenic.

GeneDx
Classification: Likely pathogenic. Last evaluated: 2023-04-24. Review status: criteria provided, single submitter. Criteria: GeneDx Variant Classification Process June 2021. Collection method: clinical testing. Allele origin: germline. Affected: yes.
Comment: Frameshift variant expected to result in the last 48 amino acids being replaced with 115 different amino acids, and other truncating variants have been reported downstream in HGMD; Not observed at significant frequency in large population cohorts (gnomAD); This variant is associated with the following publications: (PMID: 28567294)

Ambry Genetics
Classification: Likely pathogenic for Hereditary cancer-predisposing syndrome. Last evaluated: 2023-02-17. Review status: criteria provided, single submitter. Criteria: Ambry Variant Classification Scheme 2023. Collection method: clinical testing. Allele origin: germline.
Comment: The c.570delC variant, located in coding exon 3 of the TMEM127 gene, results from a deletion of one nucleotide at nucleotide position 570, causing a translational frameshift with a predicted alternate stop codon (p.T191Rfs*116). This alteration occurs at the 3' terminus of the TMEM127 gene, is not expected to trigger nonsense-mediated mRNA decay, and results in the elongation of the protein by 67 amino acids. This frameshift impacts the last 48 amino acids of the native protein. However, frameshifts are typically deleterious in nature and a significant portion of the protein is affected (Ambry internal data). This alteration has been observed in at least one individual with a personal and/or family history that is consistent with TMEM127-related disease (Ambry internal data; Yu R et al. Endocrinol Diabetes Metab Case Rep 2017 May;2017). An alteration resulting in the same elongation (c.572delC; p.T191RFS*116) was identified in an individual with bilateral pheochromocytoma (Pat&oacute;cs A et al. Pathol. Oncol. Res., 2016 Oct;22:673-9). Other similar frameshifting elongations have been identified in individuals diagnosed with pheochromocytomas (Armaiz-Pena G et al. J Clin Endocrinol Metab 2021 Jan;106(1):e350-e364). Based on the majority of available evidence to date, this variant is likely to be pathogenic.

Literature cited by the submitters: PubMed 26960314 (cited by Labcorp Genetics (formerly Invitae), Labcorp and Ambry Genetics); PubMed 28567294 (cited by Labcorp Genetics (formerly Invitae), Labcorp and Ambry Genetics); PubMed 21156949 (cited by Labcorp Genetics (formerly Invitae), Labcorp); PubMed 33051659 (cited by Ambry Genetics).